The following is an entry in ClinVar:

ClinVar aggregate classification (germline): Uncertain significance. Review status: criteria provided, multiple submitters, no conflicts (2 of 4 stars). 3 submissions from 3 submitters: Uncertain significance (3). Last evaluated 2025-08-18.

Conditions:
LAMA2-related muscular dystrophy (LAMA2-RD). Also called: Laminin alpha 2-related dystrophy. Identifiers: MedGen C5679788, MONDO:0100228.
Merosin deficient congenital muscular dystrophy (MDC1A). Also called: Congenital merosin-deficient muscular dystrophy 1A; Congenital Muscular Dystrophy Type 1A (MDC1A). Identifiers: Orphanet 258, MedGen C1263858, MONDO:0011925, OMIM 607855.

Allele frequency attached by ClinVar (database versions not stated): gnomAD 0.00001; gnomAD exomes 0.00001 and 0.00003; TOPMed 0.00002; ExAC 0.00003.
gnomAD v4.1: 15 of 1,613,244 alleles (0.00093%); highest among the groups gnomAD compares: Middle Eastern, 0.016%; no homozygotes.

Submissions (3):

Labcorp Genetics (formerly Invitae), Labcorp
Classification: Uncertain significance for LAMA2-related muscular dystrophy. Last evaluated: 2025-08-18. Review status: criteria provided, single submitter. Criteria: Invitae Variant Classification Sherloc (09022015). Collection method: clinical testing. Allele origin: germline.
Comment: This sequence change replaces glutamic acid, which is acidic and polar, with lysine, which is basic and polar, at codon 1980 of the LAMA2 protein (p.Glu1980Lys). This variant is present in population databases (rs769574222, gnomAD 0.02%). This variant has not been reported in the literature in individuals affected with LAMA2-related conditions. ClinVar contains an entry for this variant (Variation ID: 543871). Invitae Evidence Modeling of protein sequence and biophysical properties (such as structural, functional, and spatial information, amino acid conservation, physicochemical variation, residue mobility, and thermodynamic stability) indicates that this missense variant is not expected to disrupt LAMA2 protein function with a negative predictive value of 95%. In summary, the available evidence is currently insufficient to determine the role of this variant in disease. Therefore, it has been classified as a Variant of Uncertain Significance.

Revvity Omics, Revvity
Classification: Uncertain significance. Last evaluated: 2020-09-02. Review status: criteria provided, single submitter. Criteria: ACMG Guidelines, 2015. Collection method: clinical testing. Allele origin: germline.

Baylor Genetics
Classification: Uncertain significance for Merosin deficient congenital muscular dystrophy. Last evaluated: 2018-02-13. Review status: criteria provided, single submitter. Criteria: ACMG Guidelines, 2015. Collection method: clinical testing. Allele origin: maternal. Affected: yes.
Comment: This variant was determined to be of uncertain significance according to ACMG Guidelines, 2015 [PMID:25741868].

NM_000426.4(LAMA2):c.5938G>A (p.Glu1980Lys)

Gene: LAMA2 (laminin subunit alpha 2; plus strand). Cytogenetic location: 6q22.33.
Variant type: single nucleotide variant.
Coding change: c.5938G>A on transcript NM_000426.4 (MANE Select); coding-DNA position 5938, G replaced by A.
Protein change: p.Glu1980Lys; replaces glutamic acid 1980 with lysine.
Molecular consequence: missense variant.
Genome position (GRCh38, 1-based): chr6:129,427,824, G>A. VCF-style: chr6-129427824-G-A. GRCh37 (hg19) VCF-style: chr6-129748969-G-A.
Other names: c.5938G>A, p.Glu1980Lys (NM_001079823.2); short protein forms E1980K.
Identifiers: ClinVar variation 543871 (VCV000543871.16), dbSNP rs769574222, ClinGen allele CA3994035.